The following is an entry in ClinVar:

NM_000059.4(BRCA2):c.6605A>C (p.Asp2202Ala)

Gene: BRCA2 (BRCA2 DNA repair associated; plus strand). Cytogenetic location: 13q13.1.
Variant type: single nucleotide variant.
Coding change: c.6605A>C on transcript NM_000059.4 (MANE Select); coding-DNA position 6605, A replaced by C.
Protein change: p.Asp2202Ala; replaces aspartic acid 2202 with alanine.
Molecular consequence: missense variant. On other transcripts: non-coding transcript variant (1), intron variant (2).
Genome position (GRCh38, 1-based): chr13:32,340,960, A>C. VCF-style: chr13-32340960-A-C. GRCh37 (hg19) VCF-style: chr13-32915097-A-C.
Other names: c.6605A>C, p.Asp2202Ala (NM_001406719.1, NM_001406720.1); c.1910-3598A>C (NM_001406721.1); c.425-3598A>C (NM_001406722.1); short protein forms D2202A.
Identifiers: ClinVar variation 3261642 (VCV003261642.1).

ClinVar aggregate classification (germline): Uncertain significance (1 of 4 stars; one submission).

Conditions:
Hereditary cancer-predisposing syndrome. Also called: Hereditary Cancer Syndrome; Tumor predisposition; Hereditary neoplastic syndrome; Neoplastic Syndromes, Hereditary. Identifiers: Orphanet 140162, MedGen C0027672, MeSH D009386, MONDO:0015356.

Submission:

Ambry Genetics
Classification: Uncertain significance for Hereditary cancer-predisposing syndrome. Last evaluated: 2024-05-31. Review status: criteria provided, single submitter. Criteria: Ambry Variant Classification Scheme 2023. Collection method: clinical testing. Allele origin: germline.
Comment: The p.D2202A variant (also known as c.6605A>C), located in coding exon 10 of the BRCA2 gene, results from an A to C substitution at nucleotide position 6605. The aspartic acid at codon 2202 is replaced by alanine, an amino acid with dissimilar properties. This amino acid position is conserved. In addition, the in silico prediction for this alteration is inconclusive. Based on the available evidence, the clinical significance of this variant remains unclear.